The following is an entry in ClinVar:

ClinVar aggregate classification (germline): Uncertain significance (1 of 4 stars; one submission).

Conditions:
Glycogen storage disease, type II (IOPD). Also called: Glycogen storage disease type 2; Acid maltase deficiency disease; Aglucosidase alfa; Deficiency of alpha-glucosidase; Deficiency of lysosomal alpha-glucosidase; ACID MALTASE DEFICIENCY, INFANTILE-ONSET. Identifiers: Orphanet 365, MedGen C0017921, MONDO:0009290, OMIM 232300.

Allele frequency attached by ClinVar (database versions not stated): gnomAD exomes below 0.00001; ExAC 0.00001.
gnomAD v4.1: 1 of 1,612,400 alleles (0.000062%); highest among the groups gnomAD compares: South Asian, 0.0011%; no homozygotes.

Submission:

Labcorp Genetics (formerly Invitae), Labcorp
Classification: Uncertain significance for Glycogen storage disease, type II. Last evaluated: 2023-08-17. Review status: criteria provided, single submitter. Criteria: Invitae Variant Classification Sherloc (09022015). Collection method: clinical testing. Allele origin: germline.
Comment: In summary, the available evidence is currently insufficient to determine the role of this variant in disease. Therefore, it has been classified as a Variant of Uncertain Significance. Advanced modeling of protein sequence and biophysical properties (such as structural, functional, and spatial information, amino acid conservation, physicochemical variation, residue mobility, and thermodynamic stability) performed at Invitae indicates that this missense variant is expected to disrupt GAA protein function. ClinVar contains an entry for this variant (Variation ID: 948394). This variant has not been reported in the literature in individuals affected with GAA-related conditions. This variant is present in population databases (rs774470696, gnomAD 0.003%). This sequence change replaces proline, which is neutral and non-polar, with serine, which is neutral and polar, at codon 810 of the GAA protein (p.Pro810Ser).

NM_000152.5(GAA):c.2428C>T (p.Pro810Ser)

Gene: GAA (alpha glucosidase; plus strand). Cytogenetic location: 17q25.3.
Variant type: single nucleotide variant.
Coding change: c.2428C>T on transcript NM_000152.5 (MANE Select); coding-DNA position 2428, C replaced by T.
Protein change: p.Pro810Ser; replaces proline 810 with serine.
Molecular consequence: missense variant.
Genome position (GRCh38, 1-based): chr17:80,117,696, C>T. VCF-style: chr17-80117696-C-T. GRCh37 (hg19) VCF-style: chr17-78091495-C-T.
Other names: c.2428C>T, p.Pro810Ser (NM_001079803.3, NM_001079804.3); short protein forms P810S.
Identifiers: ClinVar variation 948394 (VCV000948394.9), dbSNP rs774470696, ClinGen allele CA8815739.